The following is an entry in ClinVar:

NM_002528.7(NTHL1):c.795del (p.Glu265fs)

Gene: NTHL1 (nth like DNA glycosylase 1; minus strand). Cytogenetic location: 16p13.3.
Variant type: Deletion.
Coding change: c.795del on transcript NM_002528.7 (MANE Select); coding-DNA position 795, one base deleted (G; older notation c.795delG).
Protein change: p.Glu265fs; shifts the reading frame from glutamic acid 265.
Molecular consequence: frameshift variant.
Genome position (GRCh38, 1-based): chr16:2,040,044, C deleted on the plus strand (G on the coding strand, the reverse complement: NTHL1 is on the minus strand). VCF-style (leftmost placement, unchanged base first): chr16-2040043-GC-G. GRCh37 (hg19) VCF-style: chr16-2090044-GC-G.
Other names: c.624del, p.Glu208fs (NM_001318193.2); c.465del, p.Glu155fs (NM_001318194.2); c.819delG (NM_002528.5); c.795del, p.Glu265fs (LRG_1366t1); short protein forms E208fs, E155fs, E265fs.
Identifiers: ClinVar variation 545891 (VCV000545891.15), dbSNP rs1173366565, ClinGen allele CA620372273.

ClinVar aggregate classification (germline): Pathogenic/Likely pathogenic. Review status: criteria provided, multiple submitters, no conflicts (2 of 4 stars). 4 submissions from 4 submitters: Pathogenic (1); Likely pathogenic (3). Last evaluated 2025-04-01.

Conditions:
Familial adenomatous polyposis 3. Also called: NTHL1-associated polyposis; NTHL1-Related Adenomatous Polyposis and Colorectal Cancer; NTHL1-related attenuated familial adenomatous polyposis; NTHL1 Tumor Syndrome. Identifiers: Orphanet 220460, Orphanet 454840, MedGen C4225157, MONDO:0014630, OMIM 616415.
Hereditary cancer-predisposing syndrome. Also called: Hereditary Cancer Syndrome; Neoplastic Syndromes, Hereditary; Hereditary neoplastic syndrome; Tumor predisposition. Identifiers: Orphanet 140162, MedGen C0027672, MeSH D009386, MONDO:0015356.

Allele frequency attached by ClinVar (database versions not stated): gnomAD 0.00001; gnomAD exomes below 0.00001; TOPMed below 0.00001.

Submissions (4):

Ambry Genetics
Classification: Likely pathogenic for Hereditary cancer-predisposing syndrome. Last evaluated: 2025-04-01. Review status: criteria provided, single submitter. Criteria: Ambry Variant Classification Scheme 2023. Collection method: clinical testing. Allele origin: germline.
Comment: The c.819delG variant, located in coding exon 6 of the NTHL1 gene, results from a deletion of one nucleotide at nucleotide position 819, causing a translational frameshift with a predicted alternate stop codon (p.E273Dfs*68). This alteration occurs at the 3' terminus of theNTHL1 gene, is not expected to trigger nonsense-mediated mRNAdecay and results in the elongation of the protein by 27 amino acids. The frameshift impacts the last 40amino acids of the native protein. Frameshifts are typically deleterious in nature and the impacted region is critical for protein function (Ambry internal data). Based on internal structural analysis, p.E273Dfs*68 disrupts the endonuclease III domain of NTHL1, including an iron-sulfur cluster binding region important to proper function (Ambry internal data; Fromme JC et al. EMBO J, 2003 Jul;22:3461-71; Barton JK et al. Annu Rev Biochem, 2019 06;88:163-190; Das L et al. DNA Repair (Amst), 2020 09;93:102920). This variant is considered to be rare based on population cohorts in the Genome Aggregation Database (gnomAD). Based on the majority of available evidence to date, this variant is likely to be pathogenic.

Labcorp Genetics (formerly Invitae), Labcorp
Classification: Pathogenic. Last evaluated: 2024-12-04. Review status: criteria provided, single submitter. Criteria: Invitae Variant Classification Sherloc (09022015). Collection method: clinical testing. Allele origin: germline.
Comment: This sequence change results in a frameshift in the NTHL1 gene (p.Glu273Aspfs*68). While this is not anticipated to result in nonsense mediated decay, it is expected to disrupt the last 40 amino acid(s) of the NTHL1 protein and extend the protein by 27 additional amino acid residues. This variant is present in population databases (no rsID available, gnomAD 0.0009%). This frameshift has been observed in individual(s) with ovarian cancer and colon polyps (PMID: 34250384). ClinVar contains an entry for this variant (Variation ID: 545891). This variant disrupts a region of the NTHL1 protein in which other variant(s) (p.Gln287*) have been determined to be pathogenic (PMID: 27329137, 28912133, 30552997, 30753826). This suggests that this is a clinically significant region of the protein, and that variants that disrupt it are likely to be disease-causing. For these reasons, this variant has been classified as Pathogenic.

Myriad Genetics, Inc.
Classification: Likely pathogenic for Familial adenomatous polyposis 3. Last evaluated: 2023-11-22. Review status: criteria provided, single submitter. Criteria: Myriad Autosomal Dominant, Autosomal Recessive and X-Linked Classification Criteria (2023). Collection method: clinical testing. Allele origin: unknown.
Comment: This variant is considered likely pathogenic. This variant creates a frameshift predicted to result in the incorporation of abnormal amino acid sequence into the protein product and abnormal protein elongation.

GeneDx
Classification: Likely pathogenic. Last evaluated: 2020-08-26. Review status: criteria provided, single submitter. Criteria: GeneDx Variant Classification Process June 2021. Collection method: clinical testing. Allele origin: germline. Affected: yes.
Comment: Frameshift variant predicted to result in protein truncation, as the last 67 amino acids are replaced with 40 different amino acids; Not observed at a significant frequency in large population cohorts (Lek 2016); Has not been previously published as pathogenic or benign to our knowledge

Literature cited by the submitters: PubMed 12840008 (cited by Ambry Genetics); PubMed 31220976 (cited by Ambry Genetics); PubMed 33087284 (cited by Ambry Genetics); PubMed 34250384 (cited by Labcorp Genetics (formerly Invitae), Labcorp); PubMed 27329137 (cited by Labcorp Genetics (formerly Invitae), Labcorp); PubMed 28912133 (cited by Labcorp Genetics (formerly Invitae), Labcorp); PubMed 30552997 (cited by Labcorp Genetics (formerly Invitae), Labcorp); PubMed 30753826 (cited by Labcorp Genetics (formerly Invitae), Labcorp).